The following is an entry in ClinVar:

ClinVar aggregate classification (germline): Uncertain significance (1 of 4 stars; one submission).

Conditions:
Early-infantile DEE. Also called: Ohtahara syndrome; Early infantile epileptic encephalopathy; Early infantile epileptic encephalopathy with suppression bursts. Identifiers: Orphanet 1934, MedGen C0393706, MONDO:0800491.

Submission:

Labcorp Genetics (formerly Invitae), Labcorp
Classification: Uncertain significance for Early-infantile DEE. Last evaluated: 2023-10-10. Review status: criteria provided, single submitter. Criteria: Invitae Variant Classification Sherloc (09022015). Collection method: clinical testing. Allele origin: germline.
Comment: This sequence change replaces isoleucine, which is neutral and non-polar, with valine, which is neutral and non-polar, at codon 94 of the KCNQ2 protein (p.Ile94Val). This variant is not present in population databases (gnomAD no frequency). This variant has not been reported in the literature in individuals affected with KCNQ2-related conditions. Advanced modeling of protein sequence and biophysical properties (such as structural, functional, and spatial information, amino acid conservation, physicochemical variation, residue mobility, and thermodynamic stability) performed at Invitae indicates that this missense variant is not expected to disrupt KCNQ2 protein function. In summary, the available evidence is currently insufficient to determine the role of this variant in disease. Therefore, it has been classified as a Variant of Uncertain Significance.

NM_172107.4(KCNQ2):c.280A>G (p.Ile94Val)

Gene: KCNQ2 (potassium voltage-gated channel subfamily Q member 2; minus strand). Cytogenetic location: 20q13.33.
Variant type: single nucleotide variant.
Coding change: c.280A>G on transcript NM_172107.4 (MANE Select); coding-DNA position 280, A replaced by G.
Protein change: p.Ile94Val; replaces isoleucine 94 with valine.
Molecular consequence: missense variant.
Genome position (GRCh38, 1-based): chr20:63,472,184, T>C on the plus strand (A>G on the coding strand, the complement: KCNQ2 is on the minus strand). VCF-style: chr20-63472184-T-C. GRCh37 (hg19) VCF-style: chr20-62103537-T-C.
Other names: c.280A>G, p.Ile94Val (NM_001382235.1, NM_004518.6, NM_172106.3 and 2 more transcripts); short protein forms I94V.
Identifiers: ClinVar variation 2767398 (VCV002767398.3), dbSNP rs2516742830, ClinGen allele CA409635005.